The following is an entry in ClinVar:

NM_002397.5(MEF2C):c.658C>T (p.Arg220Ter)

Gene: MEF2C (myocyte enhancer factor 2C; minus strand). Cytogenetic location: 5q14.3.
Variant type: single nucleotide variant.
Coding change: c.658C>T on transcript NM_002397.5 (MANE Select); coding-DNA position 658, C replaced by T.
Protein change: p.Arg220Ter; replaces arginine 220 with a stop codon.
Molecular consequence: nonsense.
Genome position (GRCh38, 1-based): chr5:88,731,881, G>A on the plus strand (C>T on the coding strand, the complement: MEF2C is on the minus strand). VCF-style: chr5-88731881-G-A. GRCh37 (hg19) VCF-style: chr5-88027698-G-A.
Other names: c.652C>T, p.Arg218Ter (NM_001364343.2, NM_001364352.2, NM_001131005.2); c.514C>T, p.Arg172Ter (NM_001364344.2, NM_001193348.1, NM_001193349.3 and 3 more transcripts); c.658C>T, p.Arg220Ter (NM_001364345.2, NM_001364346.2, NM_001364347.2 and 18 more transcripts); c.280C>T, p.Arg94Ter (NM_001364353.2, NM_001364356.2); c.658C>T (NM_002397.3); c.712C>T, p.Arg238Ter (NM_001193347.1, NM_001364338.2); c.232C>T, p.Arg78Ter (NM_001364357.2); short protein forms R172*, R218*, R220*, R238*, R78*, R94*.
Identifiers: ClinVar variation 976110 (VCV000976110.5), dbSNP rs1761818173, ClinGen allele CA360423485.

ClinVar aggregate classification (germline): Conflicting classifications of pathogenicity. Review status: criteria provided, conflicting classifications (1 of 4 stars). 5 submissions from 5 submitters: Pathogenic (4); Uncertain significance (1). Last evaluated 2025-01-01.

Conditions:
Neurodevelopmental disorder with hypotonia, stereotypic hand movements, and impaired language. Also called: Intellectual disability, autosomal dominant 20. Identifiers: Orphanet 228384, Orphanet 664410, MedGen C3150700, MONDO:0013266, OMIM 613443.
MEF2C-related disorder. Also called: MEF2C-related condition; MEF2C-related disorders. Identifiers: MedGen CN381096.

Submissions (5):

Center of Human Genetics, Hôpital Erasme
Classification: Pathogenic for Neurodevelopmental disorder with hypotonia, stereotypic hand movements, and impaired language. Last evaluated: 2025-01-01. Review status: criteria provided, single submitter. Criteria: ACMG Guidelines, 2015. Collection method: clinical testing. Allele origin: de novo. Affected: yes.

Blueprint Genetics
Classification: Pathogenic for MEF2C-related disorders. Last evaluated: 2024-10-28. Review status: criteria provided, single submitter. Criteria: ACMG Guidelines, 2015. Collection method: clinical testing. Allele origin: germline. Affected: yes. Observed: 1 variant allele.

GeneDx
Classification: Pathogenic. Last evaluated: 2022-09-15. Review status: criteria provided, single submitter. Criteria: GeneDx Variant Classification Process June 2021. Collection method: clinical testing. Allele origin: germline. Affected: yes.
Comment: Nonsense variant predicted to result in protein truncation or nonsense mediated decay in a gene for which loss of function is a known mechanism of disease; Not observed at significant frequency in large population cohorts (gnomAD); This variant is associated with the following publications: (PMID: 33831796)

Mendelics
Classification: Pathogenic for Neurodevelopmental disorder with hypotonia, stereotypic hand movements, and impaired language. Last evaluated: 2022-05-04. Review status: criteria provided, single submitter. Criteria: Mendelics Assertion Criteria 2019. Collection method: clinical testing. Allele origin: germline.

Institute of Human Genetics, University of Leipzig Medical Center
Classification: Uncertain significance for Neurodevelopmental disorder with hypotonia, stereotypic hand movements, and impaired language. Last evaluated: 2017-01-01. Review status: criteria provided, single submitter. Criteria: ACMG Guidelines, 2015. Collection method: clinical testing. Allele origin: germline. Affected: yes. Observed: 1 variant allele.